The following is an entry in ClinVar:

ClinVar aggregate classification (germline): Benign/Likely benign. Review status: criteria provided, multiple submitters, no conflicts (2 of 4 stars). 12 submissions from 12 submitters: Benign (7); Likely benign (3). 2 of the submissions do not count toward it. Last evaluated 2026-05-13.

Conditions:
Hypercholesterolemia, autosomal dominant, 3 (FHCL3). Also called: Familial Hypercholesterolemia, Autosomal Dominant, 3; PCSK9-Related Familial Hypercholesterolemia, Autosomal Dominant; Familial hypercholesterolemia 3. Identifiers: MedGen C1863551, MONDO:0011369, OMIM 603776.
Familial hypercholesterolemia. Also called: Familial hypercholesterolemias; Familial hypercholesterolaemia. Identifiers: MedGen C0020445, MONDO:0005439.
Hypercholesterolemia, familial, 1. Also called: LDL RECEPTOR DISORDER; Hyperlipoproteinemia Type IIa; HYPER-LOW-DENSITY-LIPOPROTEINEMIA; HYPERCHOLESTEROLEMIC XANTHOMATOSIS, FAMILIAL; Fredrickson type IIa hyperlipoproteinemia; Hyperlipoproteinemia type 2. Identifiers: Orphanet 391665, MedGen C0745103, MONDO:0007750, OMIM 143890.
Cardiovascular phenotype. Identifiers: MedGen CN230736.

Allele frequency attached by ClinVar (database versions not stated): ExAC 0.00185; gnomAD 0.00409; 1000 Genomes Project 0.00439; ESP Exome Variant Server 0.00455; TOPMed 0.00461; 1000 Genomes Project 30x 0.00468.
gnomAD v4.1: 1,173 of 1,596,476 alleles (0.073%); highest among the groups gnomAD compares: African/African-American, 1.5%; 16 homozygotes.

Submissions (12):

GENinCode PLC
Classification: Benign for Familial hypercholesterolemia. Last evaluated: 2026-05-13. Review status: criteria provided, single submitter. Criteria: ACMG Guidelines, 2015. Collection method: clinical testing. Allele origin: germline.
Comment: The PCSK9 c.1856A>C p.(Gln619Pro) missense variant has a GrpMax filtering allele frequency of 0.01408 in the African/ African American genetic ancestry group (gnomAD v4.1.1). This is higher than our in-house threshold (0.005 for BA1) and therefore meets this criterion and is classified as Benign.

Labcorp Genetics (formerly Invitae), Labcorp
Classification: Benign for Hypercholesterolemia, autosomal dominant, 3. Last evaluated: 2026-02-01. Review status: criteria provided, single submitter. Criteria: Invitae Variant Classification Sherloc (09022015). Collection method: clinical testing. Allele origin: germline.

All of Us Research Program, National Institutes of Health
Classification: Benign for Hypercholesterolemia, autosomal dominant, 3. Last evaluated: 2024-09-23. Review status: criteria provided, single submitter. Criteria: ACMG Guidelines, 2015. Collection method: clinical testing. Allele origin: germline. Inheritance: Autosomal dominant inheritance. Observed: 343 variant alleles, 337 heterozygotes, 4 homozygotes, 2 hemizygotes.
Comment: This study involves interpretation of variants in research participants for the purpose of population health screening. Participant phenotype was not available at the time of variant classification. Additional details can be found in publication PMID: 35346344, PMCID: PMC8962531

Blueprint Genetics
Classification: Likely benign. Last evaluated: 2024-09-02. Review status: criteria provided, single submitter. Criteria: ACMG Guidelines, 2015. Collection method: clinical testing. Allele origin: germline.

GeneDx
Classification: Likely benign. Last evaluated: 2021-05-27. Review status: criteria provided, single submitter. Criteria: GeneDx Variant Classification Process June 2021. Collection method: clinical testing. Allele origin: germline. Affected: yes.
Comment: This variant is associated with the following publications: (PMID: 16465619, 17971861)

Quest Diagnostics Nichols Institute San Juan Capistrano
Classification: Benign. Last evaluated: 2018-08-23. Review status: criteria provided, single submitter. Criteria: Quest Diagnostics criteria. Collection method: clinical testing. Allele origin: germline.

Color Diagnostics, LLC DBA Color Health
Classification: Benign for Familial hypercholesterolemias. Last evaluated: 2018-01-24. Review status: criteria provided, single submitter. Criteria: ACMG Guidelines, 2015. Collection method: clinical testing. Allele origin: germline.

Centre de Génétique Moléculaire et Chromosomique, Unité de génétique de l'Obésité et des Dyslipidémies, APHP, GH Hôpitaux Universitaires Pitié-Salpêtrière / Charles-Foix
Classification: Likely benign for Hypercholesterolemia, autosomal dominant, 3. Last evaluated: 2016-12-16. Review status: criteria provided, single submitter. Criteria: ACMG Guidelines, 2015. Collection method: clinical testing. Allele origin: germline. Affected: yes.

Women's Health and Genetics/Laboratory Corporation of America, LabCorp
Classification: Benign. Last evaluated: 2016-04-28. Review status: criteria provided, single submitter. Criteria: LabCorp Variant Classification Summary - May 2015. Collection method: clinical testing. Allele origin: germline.
Comment: Variant summary: The PCSK9 c.1856A>C variant affects a non-conserved nucleotide, resulting in amino acid change from Gln to Pro. 3/4 in-silico tools predict this variant to be benign (SNPs&GO not captured due to low reliability index). This variant was found in 101/54678 control chromosomes at a frequency of 0.0018472, which is about 99 times the maximal expected frequency of a pathogenic PCSK9 allele (0.0000188), suggesting this variant is benign. This variant has been found only in Africans, including African controls (101/5202 ExAC African chromosomes) and both high and low LDL African patients in the literature, at a similar allele frequency (1.5-2%). Taken together, based on the prevalence of this variant in general population, this variant was classified as Benign.

Ambry Genetics
Classification: Benign for Cardiovascular phenotype. Last evaluated: 2016-03-23. Review status: criteria provided, single submitter. Criteria: Ambry Variant Classification Scheme 2023. Collection method: clinical testing. Allele origin: germline.

Laboratory of Genetics and Molecular Cardiology, University of São Paulo
Classification: Uncertain significance for Familial hypercholesterolemia. Last evaluated: 2016-03-01. Review status: flagged submission. Criteria: ACMG Guidelines, 2015. Collection method: research. Allele origin: germline. Study: HipercolBrasil. Not counted in ClinVar's aggregate classification.
ClinVar note: Reason: Outlier claim with insufficient supporting evidence

Laboratorium voor Moleculaire Diagnostiek Experimentele Vasculaire Geneeskunde, Academisch Medisch Centrum
Classification: Pathogenic for Familial hypercholesterolemia. Review status: flagged submission. Collection method: research. Allele origin: germline. Not counted in ClinVar's aggregate classification.
ClinVar note: Reason: Outlier claim with insufficient supporting evidence

Literature cited by the submitters: PubMed 16465619 (cited by Women's Health and Genetics/Laboratory Corporation of America, LabCorp); PubMed 19191301 (cited by Women's Health and Genetics/Laboratory Corporation of America, LabCorp).

NM_174936.4(PCSK9):c.1856A>C (p.Gln619Pro)

Gene: PCSK9 (proprotein convertase subtilisin/kexin type 9; plus strand). Cytogenetic location: 1p32.3.
Variant type: single nucleotide variant.
Coding change: c.1856A>C on transcript NM_174936.4 (MANE Select); coding-DNA position 1856, A replaced by C.
Protein change: p.Gln619Pro; replaces glutamine 619 with proline.
Molecular consequence: missense variant.
Genome position (GRCh38, 1-based): chr1:55,061,549, A>C. VCF-style: chr1-55061549-A-C. GRCh37 (hg19) VCF-style: chr1-55527222-A-C.
Other names: c.1979A>C, p.Gln660Pro (NM_001407240.1); c.1898A>C, p.Gln633Pro (NM_001407241.1); c.1859A>C, p.Gln620Pro (NM_001407242.1); c.1799A>C, p.Gln600Pro (NM_001407243.1); c.1682A>C, p.Gln561Pro (NM_001407244.1); c.1664A>C, p.Gln555Pro (NM_001407245.1); c.1481A>C, p.Gln494Pro (NM_001407246.1); c.1355A>C, p.Gln452Pro (NM_001407247.1); short protein forms Q619P, Q452P, Q555P, Q633P, Q494P, Q561P, Q600P, Q620P.
Identifiers: ClinVar variation 375852 (VCV000375852.24), dbSNP rs28362277, ClinGen allele CA039163.